The following is an entry in ClinVar:

NM_001375567.1(FOCAD):c.782G>A (p.Trp261Ter)

Gene: FOCAD (focadhesin; plus strand). Cytogenetic location: 9p21.3.
Variant type: single nucleotide variant.
Coding change: c.782G>A on transcript NM_001375567.1 (MANE Select); coding-DNA position 782, G replaced by A.
Protein change: p.Trp261Ter; replaces tryptophan 261 with a stop codon.
Molecular consequence: nonsense.
Genome position (GRCh38, 1-based): chr9:20,770,114, G>A. VCF-style: chr9-20770114-G-A. GRCh37 (hg19) VCF-style: chr9-20770113-G-A.
Other names: c.782G>A (NM_017794.4); c.782G>A, p.Trp261Ter (NM_001375568.1, NM_017794.5); c.677G>A, p.Trp226Ter (NM_001375570.1); short protein forms W261*, W226*.
Identifiers: ClinVar variation 2704258 (VCV002704258.4), dbSNP rs201808793, ClinGen allele CA5006483.
Genomic context (GRCh38, chr9:20,770,114, plus strand): 5'-CAGAGGCGATGATGTTTATTGAGGAAGTATGTTTAAGCCTTTTGCGTCATCCTGTTTTCT[G>A]GAAAATTCAGCTTACCCAGATGAGTCTTCAGCTGCTGTGTGTCAGTGAAGTCAGCTTAAA-3'

ClinVar aggregate classification (germline): Conflicting classifications of pathogenicity. Review status: criteria provided, conflicting classifications (1 of 4 stars). 2 submissions from 2 submitters: Likely pathogenic (1); Uncertain significance (1). Last evaluated 2026-03-25.

Conditions:
FOCAD-related disorder. Also called: FOCAD-related condition.

Allele frequency attached by ClinVar (database versions not stated): ExAC 0.00004; TOPMed 0.00006; gnomAD 0.00007; gnomAD exomes 0.00011; 1000 Genomes Project 30x 0.00016; 1000 Genomes Project 0.00020; ESP Exome Variant Server 0.00023.
gnomAD v4.1: 162 of 1,614,056 alleles (0.01%); highest among the groups gnomAD compares: Non-Finnish European, 0.013%; no homozygotes.

Submissions (2):

PreventionGenetics, part of Exact Sciences
Classification: Likely pathogenic for FOCAD-related condition. Last evaluated: 2026-03-25. Review status: criteria provided, single submitter. Criteria: ACMG Guidelines, 2015. Collection method: clinical testing. Allele origin: germline.
Comment: The FOCAD c.782G>A variant is predicted to result in premature protein termination (p.Trp261*). To our knowledge, this variant has not been reported in the literature. This variant is reported in 0.010% of alleles in individuals of European (Non-Finnish) descent in gnomAD. Nonsense variants in FOCAD are expected to be pathogenic. This variant is interpreted as likely pathogenic.

Labcorp Genetics (formerly Invitae), Labcorp
Classification: Uncertain significance. Last evaluated: 2025-10-11. Review status: criteria provided, single submitter. Criteria: Invitae Variant Classification Sherloc (09022015). Collection method: clinical testing. Allele origin: germline.
Comment: This sequence change creates a premature translational stop signal (p.Trp261*) in the FOCAD gene. It is expected to result in an absent or disrupted protein product. However, the current clinical and genetic evidence is not sufficient to establish whether loss-of-function variants in FOCAD cause disease. This variant is present in population databases (rs201808793, gnomAD 0.01%). This variant has not been reported in the literature in individuals affected with FOCAD-related conditions. ClinVar contains an entry for this variant (Variation ID: 2704258). Algorithms developed to predict the effect of sequence changes on RNA splicing suggest that this variant may create or strengthen a splice site. In summary, the available evidence is currently insufficient to determine the role of this variant in disease. Therefore, it has been classified as a Variant of Uncertain Significance.